The following is an entry in ClinVar:

NM_000069.3(CACNA1S):c.3010A>T (p.Met1004Leu)

Gene: CACNA1S (calcium voltage-gated channel subunit alpha1 S; minus strand). Cytogenetic location: 1q32.1.
Variant type: single nucleotide variant.
Coding change: c.3010A>T on transcript NM_000069.3 (MANE Select); coding-DNA position 3010, A replaced by T.
Protein change: p.Met1004Leu; replaces methionine 1004 with leucine.
Molecular consequence: missense variant.
Genome position (GRCh38, 1-based): chr1:201,061,987, T>A on the plus strand (A>T on the coding strand, the complement: CACNA1S is on the minus strand). VCF-style: chr1-201061987-T-A. GRCh37 (hg19) VCF-style: chr1-201031115-T-A.
Other names: c.3010A>T (NM_000069.2); short protein forms M1004L.
Identifiers: ClinVar variation 1357136 (VCV001357136.6), dbSNP rs2102575730, ClinGen allele CA344163305.

ClinVar aggregate classification (germline): Uncertain significance. Review status: criteria provided, multiple submitters, no conflicts (2 of 4 stars). 2 submissions from 2 submitters: Uncertain significance (2). Last evaluated 2025-10-04.

Conditions:
CACNA1S-related disorder. Also called: CACNA1S-related condition.
Hypokalemic periodic paralysis, type 1. Also called: HypoPP; Hypokalemic Periodic Paralysis Type 1 (AD). Identifiers: Orphanet 681, MedGen C3714580, MONDO:0042979, OMIM 170400.
Malignant hyperthermia, susceptibility to, 5 (MHS5). Also called: CACNA1S-Related Malignant Hyperthermia Susceptibility. Identifiers: Orphanet 423, MedGen C1866077, MONDO:0011163, OMIM 601887.

Allele frequency attached by ClinVar (database versions not stated): gnomAD exomes below 0.00001.

Submissions (2):

PreventionGenetics, part of Exact Sciences
Classification: Uncertain significance for CACNA1S-related condition. Last evaluated: 2025-10-04. Review status: criteria provided, single submitter. Criteria: ACMG Guidelines, 2015. Collection method: clinical testing. Allele origin: germline.
Comment: The CACNA1S c.3010A>T variant is predicted to result in the amino acid substitution p.Met1004Leu. To our knowledge, this variant has not been reported in the literature or in a large population database (gnomAD), indicating this variant is rare. At this time, the clinical significance of this variant is uncertain due to the absence of conclusive functional and genetic evidence.

Labcorp Genetics (formerly Invitae), Labcorp
Classification: Uncertain significance for Hypokalemic periodic paralysis, type 1; Malignant hyperthermia, susceptibility to, 5. Last evaluated: 2022-08-09. Review status: criteria provided, single submitter. Criteria: Invitae Variant Classification Sherloc (09022015). Collection method: clinical testing. Allele origin: germline.
Comment: This sequence change replaces methionine, which is neutral and non-polar, with leucine, which is neutral and non-polar, at codon 1004 of the CACNA1S protein (p.Met1004Leu). This variant is not present in population databases (gnomAD no frequency). This variant has not been reported in the literature in individuals affected with CACNA1S-related conditions. ClinVar contains an entry for this variant (Variation ID: 1357136). Advanced modeling of protein sequence and biophysical properties (such as structural, functional, and spatial information, amino acid conservation, physicochemical variation, residue mobility, and thermodynamic stability) performed at Invitae indicates that this missense variant is not expected to disrupt CACNA1S protein function. In summary, the available evidence is currently insufficient to determine the role of this variant in disease. Therefore, it has been classified as a Variant of Uncertain Significance.